The following is an entry in ClinVar:

NM_001291746.2(REL):c.757A>G (p.Ile253Val)

Gene: REL (REL proto-oncogene, NF-kB subunit; plus strand). Cytogenetic location: 2p16.1.
Variant type: single nucleotide variant.
Coding change: c.757A>G on transcript NM_001291746.2 (MANE Select); coding-DNA position 757, A replaced by G.
Protein change: p.Ile253Val; replaces isoleucine 253 with valine.
Molecular consequence: missense variant.
Genome position (GRCh38, 1-based): chr2:60,918,510, A>G. VCF-style: chr2-60918510-A-G. GRCh37 (hg19) VCF-style: chr2-61145645-A-G.
Other names: c.757A>G, p.Ile253Val (NM_002908.4); short protein forms I253V.
Identifiers: ClinVar variation 3633894 (VCV003633894.2).

ClinVar aggregate classification (germline): Uncertain significance (1 of 4 stars; one submission).

gnomAD v4.1: 34 of 1,614,052 alleles (0.0021%); highest among the groups gnomAD compares: African/African-American, 0.0053%; no homozygotes.

Submission:

Labcorp Genetics (formerly Invitae), Labcorp
Classification: Uncertain significance. Last evaluated: 2025-10-23. Review status: criteria provided, single submitter. Criteria: Invitae Variant Classification Sherloc (09022015). Collection method: clinical testing. Allele origin: germline.
Comment: This sequence change replaces isoleucine, which is neutral and non-polar, with valine, which is neutral and non-polar, at codon 253 of the REL protein (p.Ile253Val). This variant is present in population databases (rs778190569, gnomAD 0.007%). This variant has not been reported in the literature in individuals affected with REL-related conditions. ClinVar contains an entry for this variant (Variation ID: 3633894). An algorithm developed to predict the effect of missense changes on protein structure and function (PolyPhen-2) suggests that this variant is likely to be disruptive. In summary, the available evidence is currently insufficient to determine the role of this variant in disease. Therefore, it has been classified as a Variant of Uncertain Significance.